The following is an entry in ClinVar:

NM_001267550.2(TTN):c.24811G>T (p.Glu8271Ter)

Gene: TTN (titin; minus strand). Cytogenetic location: 2q31.2.
Variant type: single nucleotide variant.
Coding change: c.24811G>T on transcript NM_001267550.2 (MANE Select); coding-DNA position 24811, G replaced by T.
Protein change: p.Glu8271Ter; replaces glutamic acid 8271 with a stop codon.
Molecular consequence: nonsense. On other transcripts: intron variant (3).
Genome position (GRCh38, 1-based): chr2:178,718,195, C>A on the plus strand (G>T on the coding strand, the complement: TTN is on the minus strand). VCF-style: chr2-178718195-C-A. GRCh37 (hg19) VCF-style: chr2-179582922-C-A.
Other names: c.23860G>T, p.Glu7954Ter (NM_001256850.1); c.21079G>T, p.Glu7027Ter (NM_133378.4); c.13282+19887G>T (NM_003319.4); c.13858+19887G>T (NM_133437.4); c.13657+19887G>T (NM_133432.3); short protein forms E7027*, E8271*, E7954*.
Identifiers: ClinVar variation 2952000 (VCV002952000.3), dbSNP rs2529245827, ClinGen allele CA349496178.
Genomic context (GRCh38, chr2:178,718,195, plus strand): 5'-GAGTTCCATCCACTTTACACTGTAAAGTTGCAGGTTCTCCAATGACTGCTTCCACATGTT[C>A]CAGAGGTTCAATAAAGTACGGTGGTTCTATGGTACAAAGGATGGTAGTCAGCAAGTCAGT-3'

ClinVar aggregate classification (germline): Likely pathogenic (1 of 4 stars; one submission).

Conditions:
Dilated cardiomyopathy 1G (CMD1G). Identifiers: Orphanet 154, MedGen C1858763, MONDO:0011400, OMIM 604145.
Autosomal recessive limb-girdle muscular dystrophy type 2J (LGMDR10). Also called: Limb-girdle muscular dystrophy, type 2J; MUSCULAR DYSTROPHY, LIMB-GIRDLE, AUTOSOMAL RECESSIVE 10. Identifiers: Orphanet 140922, MedGen C1837342, MONDO:0012127, OMIM 608807.

Submission:

Labcorp Genetics (formerly Invitae), Labcorp
Classification: Likely pathogenic for Dilated cardiomyopathy 1G; Autosomal recessive limb-girdle muscular dystrophy type 2J. Last evaluated: 2024-10-18. Review status: criteria provided, single submitter. Criteria: Invitae Variant Classification Sherloc (09022015). Collection method: clinical testing. Allele origin: germline.
Comment: This sequence change creates a premature translational stop signal (p.Glu8271*) in the TTN gene. While this is not anticipated to result in nonsense mediated decay, it is expected to create a truncated TTN protein. This variant is not present in population databases (gnomAD no frequency). This variant has not been reported in the literature in individuals affected with TTN-related conditions. Algorithms developed to predict the effect of sequence changes on RNA splicing suggest that this variant may disrupt the consensus splice site. This variant is located in the I band of TTN (PMID: 25589632). Truncating variants in this region have been reported in individuals affected with autosomal recessive centronuclear myopathy (PMID: 23975875, internal data). Truncating variants in this region have also been identified in individuals affected with autosomal dominant dilated cardiomyopathy and/or cardio-related conditions (PMID: 27869827, 32964742, internal data). In summary, the currently available evidence indicates that the variant is pathogenic, but additional data are needed to prove that conclusively. Therefore, this variant has been classified as Likely Pathogenic.

Literature cited by the submitters: PubMed 25589632; PubMed 23975875; PubMed 27869827; PubMed 32964742.